The following is an entry in ClinVar:

NM_019074.4(DLL4):c.1528del (p.Tyr510fs)

Gene: DLL4 (delta like canonical Notch ligand 4; plus strand). Cytogenetic location: 15q15.1.
Variant type: Deletion.
Coding change: c.1528del on transcript NM_019074.4 (MANE Select); coding-DNA position 1528, one base deleted (T; older notation c.1528delT).
Protein change: p.Tyr510fs; shifts the reading frame from tyrosine 510.
Molecular consequence: frameshift variant.
Genome position (GRCh38, 1-based): chr15:40,936,515, T deleted; the last of 2 consecutive T bases (chr15:40,936,514-40,936,515); deleting either gives the same sequence. VCF-style (leftmost placement, unchanged base first): chr15-40936513-CT-C. GRCh37 (hg19) VCF-style: chr15-41228711-CT-C.
Other names: short protein forms Y510fs.
Identifiers: ClinVar variation 3652389 (VCV003652389.2).

ClinVar aggregate classification (germline): Pathogenic (1 of 4 stars; one submission).

Submission:

Labcorp Genetics (formerly Invitae), Labcorp
Classification: Pathogenic. Last evaluated: 2024-05-06. Review status: criteria provided, single submitter. Criteria: Invitae Variant Classification Sherloc (09022015). Collection method: clinical testing. Allele origin: germline.
Comment: This sequence change creates a premature translational stop signal (p.Tyr510Metfs*59) in the DLL4 gene. It is expected to result in an absent or disrupted protein product. Loss-of-function variants in DLL4 are known to be pathogenic (PMID: 26299364, 29924900). This variant is not present in population databases (gnomAD no frequency). This variant has not been reported in the literature in individuals affected with DLL4-related conditions. For these reasons, this variant has been classified as Pathogenic.

Literature cited by the submitters: PubMed 26299364; PubMed 29924900.